The following is an entry in ClinVar:

ClinVar aggregate classification (germline): Pathogenic/Likely pathogenic. Review status: criteria provided, multiple submitters, no conflicts (2 of 4 stars). 5 submissions from 5 submitters: Pathogenic (3); Likely pathogenic (2). Last evaluated 2026-02-11.

Conditions:
Fanconi anemia (FA). Also called: Fanconi's anemia. Identifiers: Orphanet 84, MedGen C0015625, MeSH D005199, MONDO:0019391.
Fanconi anemia complementation group G. Also called: FANCG-Related Fanconi Anemia; Fanconi anemia group G. Identifiers: Orphanet 84, MedGen C3469527, MONDO:0013565, OMIM 614082.

Allele frequency attached by ClinVar (database versions not stated): gnomAD exomes 0.00001 and 0.00002; ExAC 0.00003.
gnomAD v4.1: 12 of 1,563,838 alleles (0.00077%); highest among the groups gnomAD compares: Non-Finnish European, 0.00097%; no homozygotes.

Submissions (6):

St. Jude Molecular Pathology, St. Jude Children's Research Hospital
Classification: Likely pathogenic for Fanconi anemia complementation group G. Last evaluated: 2026-02-11. Review status: criteria provided, single submitter. Criteria: St. Jude Assertion Criteria 2020. Collection method: clinical testing. Allele origin: germline.
Comment: The FANCG c.1144-1G>T intronic change results in a G to T substitution at the -1 position of intron 9 of the FANCG gene. This variant is predicted to result in aberrant splicing, resulting in nonsense-mediated decay or an abnormal protein product. This variant has been observed in individuals with Fanconi anemia (PMID: 24584348, 35417938). This variant has a maximum subpopulation frequency of 0.005% in gnomAD v2.1.1. In summary, this variant meets criteria to be classified as likely pathogenic.

Labcorp Genetics (formerly Invitae), Labcorp
Classification: Pathogenic for Fanconi anemia. Last evaluated: 2025-10-27. Review status: criteria provided, single submitter. Criteria: Invitae Variant Classification Sherloc (09022015). Collection method: clinical testing. Allele origin: germline.
Comment: This sequence change affects an acceptor splice site in intron 9 of the FANCG gene. It is expected to disrupt RNA splicing. Variants that disrupt the donor or acceptor splice site typically lead to a loss of protein function (PMID: 16199547), and loss-of-function variants in FANCG are known to be pathogenic (PMID: 12552564). This variant is present in population databases (rs755363896, gnomAD 0.006%). Disruption of this splice site has been observed in individuals with Fanconi anemia (PMID: 11093276, 24584348). ClinVar contains an entry for this variant (Variation ID: 1072557). Algorithms developed to predict the effect of sequence changes on RNA splicing suggest that this variant may create or strengthen a splice site. For these reasons, this variant has been classified as Pathogenic.

Natera, Inc.
Classification: Pathogenic for Fanconi anemia group G. Last evaluated: 2024-11-27. Review status: criteria provided, single submitter. Criteria: Natera Variant Classification Schema (03/2026). Collection method: clinical testing. Allele origin: germline.
Comment: The c.1144-1G>T variant in FANCG is a canonical splice acceptor site variant predicted to affect pre-mRNA splicing, which may result in an abnormal transcript and altered protein product. This variant is expected to result in nonsense mediated decay, truncation, or a dysfunctional protein product. This variant is rare in the general population with a frequency below the threshold expected for the associated phenotype(s). This variant has been observed in one or more individuals affected with the associated recessive disease, as either homozygous or compound heterozygous with a second variant (PMID: 24584348). Given the available evidence, this variant is classified as Pathogenic.

Fulgent Genetics
Classification: Likely pathogenic for Fanconi anemia complementation group G. Last evaluated: 2024-06-05. Review status: criteria provided, single submitter. Criteria: ACMG Guidelines, 2015. Collection method: clinical testing. Allele origin: germline.

Baylor Genetics
Classification: Pathogenic for Fanconi anemia complementation group G. Last evaluated: 2024-03-26. Review status: criteria provided, single submitter. Criteria: ACMG Guidelines, 2015. Collection method: clinical testing. Allele origin: unknown.

Dr. Peter K. Rogan Lab, Western University
No classification provided (evidence only). Condition: Lymphoma. Review status: no classification provided. Collection method: in vitro. Allele origin: not applicable. Functional consequence: retained intron. Not counted in ClinVar's aggregate classification.

Literature cited by the submitters: PubMed 16199547 (cited by Labcorp Genetics (formerly Invitae), Labcorp); PubMed 12552564 (cited by Labcorp Genetics (formerly Invitae), Labcorp); PubMed 11093276 (cited by Labcorp Genetics (formerly Invitae), Labcorp); PubMed 24584348 (cited by Labcorp Genetics (formerly Invitae), Labcorp and Natera, Inc.).

NM_004629.2(FANCG):c.1144-1G>T

Gene: FANCG (FA complementation group G; minus strand). Cytogenetic location: 9p13.3.
Variant type: single nucleotide variant.
Coding change: c.1144-1G>T on transcript NM_004629.2 (MANE Select); the canonical splice acceptor site of the intron before coding-DNA position 1144, G replaced by T.
Molecular consequence: splice acceptor variant.
Genome position (GRCh38, 1-based): chr9:35,075,755, C>A on the plus strand (G>T on the coding strand, the complement: FANCG is on the minus strand). VCF-style: chr9-35075755-C-A. GRCh37 (hg19) VCF-style: chr9-35075752-C-A.
Other names: c.1144-1G>T (NM_004629.1).
Identifiers: ClinVar variation 1072557 (VCV001072557.14), dbSNP rs755363896, ClinGen allele CA5039812.
Genomic context (GRCh38, chr9:35,075,755, plus strand): 5'-CGCTGCCTCCAAAAACACCTCAGGCATACAGGGCCCTGGAGGGGAGGGGGGTGGGGAGAA[C>A]TGGAGTGGGAAGAAGAAGCAGTGTCTTGAAAGGCATGAGCCACCATCCCCAACCTCTTCA-3'